The following is an entry in ClinVar:

ClinVar aggregate classification (germline): Pathogenic/Likely pathogenic. Review status: criteria provided, multiple submitters, no conflicts (2 of 4 stars). 8 submissions from 8 submitters: Pathogenic (6); Likely pathogenic (2). Last evaluated 2025-03-22.

Conditions:
TGFB2-related disorder. Also called: TGFB2-related condition.
Aortic aneurysm, familial thoracic, TGFB2 related.
Loeys-Dietz syndrome 4 (LDS4). Also called: ANEURYSM, AORTIC AND CEREBRAL, WITH ARTERIAL TORTUOSITY AND SKELETAL MANIFESTATIONS; TGFB2-Related Loeys-Dietz Syndrome. Identifiers: MedGen C3553762, MONDO:0013897, OMIM 614816.
Familial thoracic aortic aneurysm and aortic dissection (TAAD). Also called: Thoracic aortic aneurysms and dissections. Identifiers: Orphanet 91387, MedGen C4707243, MONDO:0019625.
Loeys-Dietz syndrome (LDS). Identifiers: Orphanet 60030, MedGen C2697932, MONDO:0018954.

Submissions (8):

Labcorp Genetics (formerly Invitae), Labcorp
Classification: Pathogenic for Loeys-Dietz syndrome 4. Last evaluated: 2025-03-22. Review status: criteria provided, single submitter. Criteria: Invitae Variant Classification Sherloc (09022015). Collection method: clinical testing. Allele origin: germline.
Comment: This sequence change replaces arginine, which is basic and polar, with cysteine, which is neutral and slightly polar, at codon 302 of the TGFB2 protein (p.Arg302Cys). This variant is not present in population databases (gnomAD no frequency). This missense change has been observed in individual(s) with Loeys-Dietz syndrome and a syndromic thoracic aortic disorder (PMID: 22772368, 25644172). In at least one individual the variant was observed to be de novo. This variant is also known as c.988C>T, p.Arg330Cys. ClinVar contains an entry for this variant (Variation ID: 224872). Invitae Evidence Modeling of protein sequence and biophysical properties (such as structural, functional, and spatial information, amino acid conservation, physicochemical variation, residue mobility, and thermodynamic stability) indicates that this missense variant is expected to disrupt TGFB2 protein function with a positive predictive value of 80%. This variant disrupts the p.Arg302 amino acid residue in TGFB2. Other variant(s) that disrupt this residue have been observed in individuals with TGFB2-related conditions (internal data), which suggests that this may be a clinically significant amino acid residue. For these reasons, this variant has been classified as Pathogenic.

PreventionGenetics, part of Exact Sciences
Classification: Pathogenic for TGFB2-related condition. Last evaluated: 2025-01-09. Review status: criteria provided, single submitter. Criteria: ACMG Guidelines, 2015. Collection method: clinical testing. Allele origin: germline.
Comment: The TGFB2 c.904C>T variant is predicted to result in the amino acid substitution p.Arg302Cys. This variant is also referred to as p.Arg330Cys with an alternate transcript NM_001135599 in the literature. This variant has been reported in multiple individuals with Loeys-Dietz syndrome or related aortopathies, including at least one de novo case (Lindsay et al. 2012. PubMed ID: 22772368; Campens et al. 2015. PubMed ID: 25644172; Table S2, Almpani et al. 2022. PubMed ID: 34916229; Table S2, Yang et al. 2023. PubMed ID: 36517271). This variant has not been reported in a large population database (gnomAD), indicating this variant is rare. Alternate nucleotide changes affecting the same amino acid (p.Arg302Pro, p.Arg302His, and p.Arg302Ser) have been reported in individuals with Loeys-Dietz syndrome or related aortopathies (Table S3, Trujillano et al. 2017. PubMed ID: 27848944; Overwater et al. 2018. PubMed ID: 29907982; Eghrari et al. 2020. PubMed ID: 32307099). Taken together, the c.904C>T (p.Arg302Cys) variant is interpreted as pathogenic.

Blueprint Genetics
Classification: Pathogenic for TGFB2-related disorders. Last evaluated: 2024-11-13. Review status: criteria provided, single submitter. Criteria: ACMG Guidelines, 2015. Collection method: clinical testing. Allele origin: germline. Affected: yes. Observed: 5 variant alleles.

GeneDx
Classification: Pathogenic. Last evaluated: 2022-05-31. Review status: criteria provided, single submitter. Criteria: GeneDx Variant Classification Process June 2021. Collection method: clinical testing. Allele origin: germline. Affected: yes.
Comment: Reported in multiple individuals with syndromic TAAD; also referred to as R330C due to alternate nomenclature (Lindsay et al., 2012; Campens et al., 2015; Russo et al., 2018; Braverman et al., 2020); Not observed at significant frequency in large population cohorts (gnomAD); In silico analysis supports that this missense variant has a deleterious effect on protein structure/function; This variant is associated with the following publications: (PMID: 25504618, 25163805, 29392890, 25644172, 22772368, 32462795, 29742657)

Laboratory for Molecular Medicine, Mass General Brigham Personalized Medicine
Classification: Likely pathogenic for Loeys-Dietz syndrome. Last evaluated: 2020-08-24. Review status: criteria provided, single submitter. Criteria: ACMG Guidelines, 2015. Collection method: clinical testing. Allele origin: germline.
Comment: The p.Arg330Cys variant in TGFB2 has been identified in 4 individuals with clinical features of Loeys-Dietz syndrome and, for one individual, it was absent in both parents suggesting de novo inheritance (Campens 2015 PMID: 25644172; Lindsay 2012 PMID: 22772368; Schepers 2018 PMID: 29392890). In addition, this variant segregated with clinical features of Loeys-Dietz syndrome across 4 relatives with classic and mild features (Russo 2018 PMID: 29742657). This variant is listed in ClinVar (allele ID: 226714) and was absent from large population studies. Computational prediction tools and conservation analyses suggest that this variant may impact the protein, though this information is not predictive enough to determine pathogenicity. In summary, although additional studies are required to fully establish its clinical significance, this variant meets criteria to be classified as likely pathogenic for autosomal dominant Loeys Dietz syndrome. ACMG/AMP codes: PM2; PP3; PS4_Moderate; PM6; PP1.

Ambry Genetics
Classification: Pathogenic for Familial thoracic aortic aneurysm and aortic dissection. Last evaluated: 2020-04-29. Review status: criteria provided, single submitter. Criteria: Ambry Variant Classification Scheme 2023. Collection method: clinical testing. Allele origin: germline.
Comment: The p.R302C pathogenic mutation (also known as c.904C>T, or as R330C), located in coding exon 5 of the TGFB2 gene, results from a C to T substitution at nucleotide position 904. The arginine at codon 302 is replaced by cysteine, an amino acid with highly dissimilar properties. This arginine residue lies in a putative furin cleavage site where precursor TGF&beta;2 may be cleaved into latency-associated peptide and mature TGF&beta;2; however, experimental evidence of a cleavage impact is unavailable (Marquardt H et al. J. Biol. Chem., 1987 Sep;262:12127-31). This alteration has been described in individuals with syndromic thoracic aortic aneurysm and was reported to have occurred de novo in one case (Lindsay ME et al. Nat. Genet., 2012 Aug;44:922-7; Campens L et al. Orphanet J Rare Dis, 2015 Feb;10:9; Schepers D et al. Hum. Mutat., 2018 05;39:621-634). Furthermore, a likely pathogenic alteration at the same amino acid position, R302H (also known as R330H), has also been described in individuals with syndromic thoracic aortic disease (Overwater E et al. Hum. Mutat., 2018 09;39:1173-1192). This variant was not reported in population-based cohorts in the Genome Aggregation Database (gnomAD). Based on the supporting evidence, this alteration is interpreted as a disease-causing mutation.

ARUP Laboratories, Molecular Genetics and Genomics, ARUP Laboratories
Classification: Likely pathogenic for Loeys-Dietz syndrome 4. Last evaluated: 2018-12-28. Review status: criteria provided, single submitter. Criteria: ARUP Molecular Germline Variant Investigation Process. Collection method: clinical testing. Allele origin: germline.
Comment: The TGFB2 c.904C>T; p.Arg302Cys variant (rs869312903), also known as p.Arg330Cys, is reported in the literature in several individuals with symptoms of Loeys-Dietz syndrome or another thoracic aortic disorder (Campens 2015, Lindsay 2012). In one affected individual, this variant was not observed in either parent, suggested a de novo origin (Lindsay 2012). This variant is absent from general population databases (Exome Variant Server, Genome Aggregation Database), indicating it is not a common polymorphism. The arginine at codon 302 is highly conserved, and computational analyses (SIFT, PolyPhen-2) predict that this variant is deleterious. Additionally, another variant at the same codon (p.Arg302Pro) and other variants nearby (p.Arg299Gln and p.Arg299Trp) have been reported in individuals with symptoms of Loeys-Dietz syndrome and are considered to be pathogenic (Campens 2015, Lindsay 2012, Trujillano 2017). Based on available information, the p.Arg302Cys variant is considered to be likely pathogenic. References: Campens L et al. Gene panel sequencing in heritable thoracic aortic disorders and related entities - results of comprehensive testing in a cohort of 264 patients. Orphanet J Rare Dis. 2015 Feb 3;10:9. Lindsay ME et al. Loss-of-function mutations in TGFB2 cause a syndromic presentation of thoracic aortic aneurysm. Nat Genet. 2012 Jul 8;44(8):922-7. Trujillano D et al. Clinical exome sequencing: results from 2819 samples reflecting 1000 families. Eur J Hum Genet. 2017 Feb;25(2):176-182.

Baylor-Hopkins Center for Mendelian Genomics, Johns Hopkins University School of Medicine
Classification: Pathogenic for Loeys-Dietz syndrome 4. Review status: criteria provided, single submitter. Criteria: Submitter's publication. Collection method: research. Allele origin: de novo. Affected: yes. Observed: 1 heterozygote.

Literature cited by the submitters: PubMed 22772368 (cited by Labcorp Genetics (formerly Invitae), Labcorp and Ambry Genetics); PubMed 25644172 (cited by Labcorp Genetics (formerly Invitae), Labcorp and Ambry Genetics); PubMed 24577266 (cited by Ambry Genetics); PubMed 29392890 (cited by Ambry Genetics); PubMed 29907982 (cited by Ambry Genetics); PubMed 30071990 (cited by Ambry Genetics); PubMed 3476488 (cited by Ambry Genetics).

NM_003238.6(TGFB2):c.904C>T (p.Arg302Cys)

Gene: TGFB2 (transforming growth factor beta 2; plus strand). Cytogenetic location: 1q41.
Variant type: single nucleotide variant.
Coding change: c.904C>T on transcript NM_003238.6 (MANE Select); coding-DNA position 904, C replaced by T.
Protein change: p.Arg302Cys; replaces arginine 302 with cysteine.
Molecular consequence: missense variant. On other transcripts: non-coding transcript variant (2).
Genome position (GRCh38, 1-based): chr1:218,436,119, C>T. VCF-style: chr1-218436119-C-T. GRCh37 (hg19) VCF-style: chr1-218609461-C-T.
Other names: c.988C>T, p.Arg330Cys (NM_001135599.4); c.904C>T (NM_003238.4); short protein forms R302C, R330C.
Identifiers: ClinVar variation 224872 (VCV000224872.29), dbSNP rs869312903, ClinGen allele CA354091.